The following is an entry in ClinVar:

NM_001606.5(ABCA2):c.5701C>T (p.Pro1901Ser)

Genes: ABCA2 (ATP binding cassette subfamily A member 2; minus strand), LOC126860796 (CDK7 strongly-dependent group 2 enhancer GRCh37_chr9:139904888-139906087; plus strand). Cytogenetic location: 9q34.3.
Variant type: single nucleotide variant.
Coding change: c.5701C>T on transcript NM_001606.5 (MANE Select); coding-DNA position 5701, C replaced by T.
Protein change: p.Pro1901Ser; replaces proline 1901 with serine.
Molecular consequence: missense variant.
Genome position (GRCh38, 1-based): chr9:137,011,505, G>A on the plus strand (C>T on the coding strand, the complement: ABCA2 is on the minus strand). VCF-style: chr9-137011505-G-A. GRCh37 (hg19) VCF-style: chr9-139905957-G-A.
Other names: c.5791C>T, p.Pro1931Ser (NM_212533.3); short protein forms P1901S, P1931S.
Identifiers: ClinVar variation 1303920 (VCV001303920.2), dbSNP rs2131433791, ClinGen allele CA375659945.
Genomic context (GRCh38, chr9:137,011,505, plus strand): 5'-CGGTGGCGGTGATGCCGATGAAGAGATTGATGACAATGAGGAACACGTAGGCGGAGCTGG[G>A]GACCTCGAACCAGAAGGAGGCCGGGTACATGATGGGCGTGATGGACCACCTGCGGGCAGG-3'
Protein context (NP_001597.2, residues 1891-1911): MYPASFWFEV[Pro1901Ser]SSAYVFLIVI

ClinVar aggregate classification (germline): Uncertain significance (1 of 4 stars; one submission).

Allele frequency attached by ClinVar (database versions not stated): gnomAD exomes below 0.00001.
gnomAD v4.1: 1 of 1,599,914 alleles (0.000063%); highest among the groups gnomAD compares: South Asian, 0.0011%; no homozygotes.

Submission:

GeneDx
Classification: Uncertain significance. Last evaluated: 2019-09-26. Review status: criteria provided, single submitter. Criteria: GeneDx Variant Classification Process June 2021. Collection method: clinical testing. Allele origin: germline. Affected: yes.
Comment: In silico analysis, which includes protein predictors and evolutionary conservation, supports a deleterious effect; Not observed in large population cohorts (Lek et al., 2016); Has not been previously published as pathogenic or benign to our knowledge; Variants in candidate genes are classified as variants of uncertain significance in accordance with ACMG guidelines (Richards et al., 2015)